The following is an entry in ClinVar:

NM_014391.3(ANKRD1):c.617T>C (p.Leu206Pro)

Gene: ANKRD1 (ankyrin repeat domain 1; minus strand). Cytogenetic location: 10q23.31.
Variant type: single nucleotide variant.
Coding change: c.617T>C on transcript NM_014391.3 (MANE Select); coding-DNA position 617, T replaced by C.
Protein change: p.Leu206Pro; replaces leucine 206 with proline.
Molecular consequence: missense variant.
Genome position (GRCh38, 1-based): chr10:90,916,205, A>G on the plus strand (T>C on the coding strand, the complement: ANKRD1 is on the minus strand). VCF-style: chr10-90916205-A-G. GRCh37 (hg19) VCF-style: chr10-92675962-A-G.
Other names: short protein forms L206P.
Identifiers: ClinVar variation 543938 (VCV000543938.10), dbSNP rs1554827664, ClinGen allele CA377550702.

ClinVar aggregate classification (germline): Uncertain significance (1 of 4 stars; one submission).

Conditions:
ANKRD1-related dilated cardiomyopathy. Identifiers: MedGen CN119551.

Allele frequency attached by ClinVar (database versions not stated): gnomAD exomes below 0.00001; gnomAD 0.00001.

Submission:

Labcorp Genetics (formerly Invitae), Labcorp
Classification: Uncertain significance for ANKRD1-related dilated cardiomyopathy. Last evaluated: 2019-08-29. Review status: criteria provided, single submitter. Criteria: Invitae Variant Classification Sherloc (09022015). Collection method: clinical testing. Allele origin: germline.
Comment: In summary, the available evidence is currently insufficient to determine the role of this variant in disease. Therefore, it has been classified as a Variant of Uncertain Significance. This sequence change replaces leucine with proline at codon 206 of the ANKRD1 protein (p.Leu206Pro). The leucine residue is highly conserved and there is a moderate physicochemical difference between leucine and proline. This variant is not present in population databases (ExAC no frequency). This variant has not been reported in the literature in individuals with ANKRD1-related disease. Algorithms developed to predict the effect of missense changes on protein structure and function (SIFT, PolyPhen-2, Align-GVGD) all suggest that this variant is likely to be disruptive, but these predictions have not been confirmed by published functional studies and their clinical significance is uncertain.